The following is an entry in ClinVar:

ClinVar aggregate classification (germline): Uncertain significance. Review status: criteria provided, multiple submitters, no conflicts (2 of 4 stars). 3 submissions from 3 submitters: Uncertain significance (3). Last evaluated 2026-04-08.

Conditions:
Autosomal recessive hypophosphatemic bone disease (HHRH). Also called: HYPERCALCIURIC RICKETS; Hypophosphatemic rickets with hypercalciuria. Identifiers: Orphanet 157215, MedGen C1853271, MONDO:0009431, OMIM 241530.

Allele frequency attached by ClinVar (database versions not stated): gnomAD 0.00002; TOPMed 0.00005; gnomAD exomes 0.00012.
gnomAD v4.1: 177 of 1,599,342 alleles (0.011%); highest among the groups gnomAD compares: Non-Finnish European, 0.015%; no homozygotes.

Submissions (3):

Women's Health and Genetics/Laboratory Corporation of America, LabCorp
Classification: Uncertain significance. Last evaluated: 2026-04-08. Review status: criteria provided, single submitter. Criteria: LabCorp Variant Classification Summary - May 2015. Collection method: clinical testing. Allele origin: germline.
Comment: Variant summary: SLC34A3 c.1130T>C (p.Leu377Pro) results in a non-conservative amino acid change in the encoded protein sequence. Algorithms developed to predict the effect of missense changes on protein structure and function all suggest that this variant is likely to be disruptive. The variant allele was found at a frequency of 1.3e-05 in 226874 control chromosomes. The available data on variant occurrences in the general population are insufficient to allow any conclusion about variant significance. To our knowledge, no occurrence of c.1130T>C in individuals affected with SLC34A3-related conditions and no experimental evidence demonstrating its impact on protein function have been reported. ClinVar contains an entry for this variant (Variation ID: 2186113). Based on the evidence outlined above, the variant was classified as uncertain significance.

Fulgent Genetics
Classification: Uncertain significance for Autosomal recessive hypophosphatemic bone disease. Last evaluated: 2024-03-29. Review status: criteria provided, single submitter. Criteria: ACMG Guidelines, 2015. Collection method: clinical testing. Allele origin: germline.

Labcorp Genetics (formerly Invitae), Labcorp
Classification: Uncertain significance. Last evaluated: 2022-02-28. Review status: criteria provided, single submitter. Criteria: Invitae Variant Classification Sherloc (09022015). Collection method: clinical testing. Allele origin: germline.
Comment: This sequence change replaces leucine, which is neutral and non-polar, with proline, which is neutral and non-polar, at codon 377 of the SLC34A3 protein (p.Leu377Pro). This variant is present in population databases (no rsID available, gnomAD 0.005%). This variant has not been reported in the literature in individuals affected with SLC34A3-related conditions. Algorithms developed to predict the effect of missense changes on protein structure and function (SIFT, PolyPhen-2, Align-GVGD) all suggest that this variant is likely to be disruptive. In summary, the available evidence is currently insufficient to determine the role of this variant in disease. Therefore, it has been classified as a Variant of Uncertain Significance.

NM_001177316.2(SLC34A3):c.1130T>C (p.Leu377Pro)

Gene: SLC34A3 (solute carrier family 34 member 3; plus strand). Cytogenetic location: 9q34.3.
Variant type: single nucleotide variant.
Coding change: c.1130T>C on transcript NM_001177316.2 (MANE Select); coding-DNA position 1130, T replaced by C.
Protein change: p.Leu377Pro; replaces leucine 377 with proline.
Molecular consequence: missense variant.
Genome position (GRCh38, 1-based): chr9:137,234,452, T>C. VCF-style: chr9-137234452-T-C. GRCh37 (hg19) VCF-style: chr9-140128904-T-C.
Other names: c.1130T>C (NM_080877.2); c.1130T>C, p.Leu377Pro (NM_001177317.2, NM_080877.3); short protein forms L377P.
Identifiers: ClinVar variation 2186113 (VCV002186113.3), dbSNP rs922261737, ClinGen allele CA201696658.
Genomic context (GRCh38, chr9:137,234,452, plus strand): 5'-GGGCTGACCCGGCATCCCCCACAGACTTCCCCTTCCCGCTGGGCTGGCTCGGCGGCTACC[T>C]GGCCGTCCTCGCGGGCGCCGGCCTGACCTTCGCACTGCAGAGCAGCAGCGTCTTCACGGC-3'
Protein context (NP_001170787.2, residues 367-387): PFPLGWLGGY[Leu377Pro]AVLAGAGLTF